The following is an entry in ClinVar:

ClinVar aggregate classification (germline): Uncertain significance (1 of 4 stars; one submission).

Allele frequency attached by ClinVar (database versions not stated): ExAC 0.00002; gnomAD 0.00002; TOPMed 0.00002.
gnomAD v4.1: 63 of 1,612,964 alleles (0.0039%); highest among the groups gnomAD compares: Non-Finnish European, 0.005%; no homozygotes.

Submission:

Labcorp Genetics (formerly Invitae), Labcorp
Classification: Uncertain significance. Last evaluated: 2022-10-05. Review status: criteria provided, single submitter. Criteria: Invitae Variant Classification Sherloc (09022015). Collection method: clinical testing. Allele origin: germline.
Comment: In summary, the available evidence is currently insufficient to determine the role of this variant in disease. Therefore, it has been classified as a Variant of Uncertain Significance. Algorithms developed to predict the effect of missense changes on protein structure and function (SIFT, PolyPhen-2, Align-GVGD) all suggest that this variant is likely to be tolerated. This variant has not been reported in the literature in individuals affected with C2-related conditions. This variant is present in population databases (rs764711714, gnomAD 0.004%). This sequence change replaces valine, which is neutral and non-polar, with leucine, which is neutral and non-polar, at codon 448 of the C2 protein (p.Val448Leu).

NM_000063.6(C2):c.1342G>C (p.Val448Leu)

Gene: C2 (complement C2; plus strand). Cytogenetic location: 6p21.33.
Variant type: single nucleotide variant.
Coding change: c.1342G>C on transcript NM_000063.6 (MANE Select); coding-DNA position 1342, G replaced by C.
Protein change: p.Val448Leu; replaces valine 448 with leucine.
Molecular consequence: missense variant.
Genome position (GRCh38, 1-based): chr6:31,943,081, G>C. VCF-style: chr6-31943081-G-C. GRCh37 (hg19) VCF-style: chr6-31910858-G-C.
Other names: c.946G>C, p.Val316Leu (NM_001145903.3); c.700G>C, p.Val234Leu (NM_001178063.3); c.604G>C, p.Val202Leu (NM_001282457.2); c.1255G>C, p.Val419Leu (NM_001282458.2); short protein forms V202L, V448L, V316L, V234L, V419L.
Identifiers: ClinVar variation 2184773 (VCV002184773.2), dbSNP rs764711714, ClinGen allele CA3727679.
Genomic context (GRCh38, chr6:31,943,081, plus strand): 5'-TCCAAGAAGGATGGTGAGAGGCATGCCTTCATTCTGCAGGACACAAAGGCTCTGCACCAG[G>C]TCTTTGAACATATGCTGGGTGAGTGAGCTTTGCCCTCCTTGGTGTGGGGAGGATGGTGAG-3'
Protein context (NP_000054.2, residues 438-458): ILQDTKALHQ[Val448Leu]FEHMLDVSKL